The following is an entry in ClinVar:

NM_000278.5(PAX2):c.648T>G (p.Asp216Glu)

Gene: PAX2 (paired box 2; plus strand). Cytogenetic location: 10q24.31.
Variant type: single nucleotide variant.
Coding change: c.648T>G on transcript NM_000278.5 (MANE Select); coding-DNA position 648, T replaced by G.
Protein change: p.Asp216Glu; replaces aspartic acid 216 with glutamic acid.
Molecular consequence: missense variant.
Genome position (GRCh38, 1-based): chr10:100,806,461, T>G. VCF-style: chr10-100806461-T-G. GRCh37 (hg19) VCF-style: chr10-102566218-T-G.
Other names: c.741T>G, p.Asp247Glu (NM_001304569.2); c.717T>G, p.Asp239Glu (NM_003987.5, NM_003990.5); c.648T>G, p.Asp216Glu (NM_003988.5, NM_003989.5); short protein forms D239E, D247E, D216E.
Identifiers: ClinVar variation 1476575 (VCV001476575.6), dbSNP rs1564737100, ClinGen allele CA378258916.

ClinVar aggregate classification (germline): Uncertain significance (1 of 4 stars; one submission).

Conditions:
Focal segmental glomerulosclerosis 7 (FSGS7). Identifiers: Orphanet 656, MedGen C4014925, MONDO:0014451, OMIM 616002.
Renal coloboma syndrome (PAPRS). Also called: PAPILLORENAL SYNDROME WITH MILD OCULAR ABNORMALITIES; PAPILLORENAL SYNDROME; CONGENITAL ANOMALIES OF THE KIDNEY AND URINARY TRACT WITH OR WITHOUT OCULAR ABNORMALITIES; CAKUT WITH OR WITHOUT OCULAR ABNORMALITIES; COLOBOMA OF OPTIC NERVE WITH RENAL DISEASE; OPTIC COLOBOMA, VESICOURETERAL REFLUX, AND RENAL ANOMALIES. Identifiers: Orphanet 1475, MedGen C1852759, MONDO:0007352, OMIM 120330.

Allele frequency attached by ClinVar (database versions not stated): gnomAD exomes below 0.00001.
gnomAD v4.1: 1 of 1,614,228 alleles (0.000062%); highest among the groups gnomAD compares: Non-Finnish European, 0.000085%; no homozygotes.

Submission:

Labcorp Genetics (formerly Invitae), Labcorp
Classification: Uncertain significance for Renal coloboma syndrome; Focal segmental glomerulosclerosis 7. Last evaluated: 2023-11-06. Review status: criteria provided, single submitter. Criteria: Invitae Variant Classification Sherloc (09022015). Collection method: clinical testing. Allele origin: germline.
Comment: This sequence change replaces aspartic acid, which is acidic and polar, with glutamic acid, which is acidic and polar, at codon 216 of the PAX2 protein (p.Asp216Glu). This variant is not present in population databases (gnomAD no frequency). This variant has not been reported in the literature in individuals affected with PAX2-related conditions. ClinVar contains an entry for this variant (Variation ID: 1476575). Experimental studies and prediction algorithms are not available or were not evaluated, and the functional significance of this variant is currently unknown. In summary, the available evidence is currently insufficient to determine the role of this variant in disease. Therefore, it has been classified as a Variant of Uncertain Significance.